The following is an entry in ClinVar:

NM_016239.4(MYO15A):c.10243G>A (p.Gly3415Ser)

Gene: MYO15A (myosin XVA; plus strand). Cytogenetic location: 17p11.2.
Variant type: single nucleotide variant.
Coding change: c.10243G>A on transcript NM_016239.4 (MANE Select); coding-DNA position 10243, G replaced by A.
Protein change: p.Gly3415Ser; replaces glycine 3415 with serine.
Molecular consequence: missense variant.
Genome position (GRCh38, 1-based): chr17:18,172,183, G>A. VCF-style: chr17-18172183-G-A. GRCh37 (hg19) VCF-style: chr17-18075497-G-A.
Other names: short protein forms G3415S.
Identifiers: ClinVar variation 3876658 (VCV003876658.2).

ClinVar aggregate classification (germline): Uncertain significance. Review status: criteria provided, multiple submitters, no conflicts (2 of 4 stars). 2 submissions from 2 submitters: Uncertain significance (2). Last evaluated 2025-02-13.

Conditions:
Inborn genetic diseases. Identifiers: MedGen C0950123, MeSH D030342.

gnomAD v4.1: 69 of 1,613,996 alleles (0.0043%); highest among the groups gnomAD compares: Middle Eastern, 0.016%; no homozygotes.

Submissions (2):

GeneDx
Classification: Uncertain significance. Last evaluated: 2025-02-13. Review status: criteria provided, single submitter. Criteria: GeneDx Variant Classification Process June 2021. Collection method: clinical testing. Allele origin: germline. Affected: yes.
Comment: In silico analysis supports that this missense variant has a deleterious effect on protein structure/function; Has not been previously published as pathogenic or benign to our knowledge; In silico analysis is inconclusive as to whether the variant alters gene splicing. In the absence of RNA/functional studies, the actual effect of this sequence change is unknown.

Ambry Genetics
Classification: Uncertain significance for Inborn genetic diseases. Last evaluated: 2025-02-04. Review status: criteria provided, single submitter. Criteria: Ambry Variant Classification Scheme 2023. Collection method: clinical testing. Allele origin: germline.